The following is an entry in ClinVar:

NM_004360.5(CDH1):c.1971C>T (p.Ala657=)

Gene: CDH1 (cadherin 1; plus strand). Cytogenetic location: 16q22.1.
Variant type: single nucleotide variant.
Coding change: c.1971C>T on transcript NM_004360.5 (MANE Select); coding-DNA position 1971, C replaced by T.
Protein change: p.Ala657=; no amino-acid change (alanine 657 retained).
Molecular consequence: synonymous variant.
Genome position (GRCh38, 1-based): chr16:68,823,433, C>T. VCF-style: chr16-68823433-C-T. GRCh37 (hg19) VCF-style: chr16-68857336-C-T.
Other names: c.1788C>T, p.Ala596= (NM_001317184.2); c.423C>T, p.Ala141= (NM_001317185.2); c.6C>T, p.Ala2= (NM_001317186.2).
Identifiers: ClinVar variation 628552 (VCV000628552.16), dbSNP rs1567513183, ClinGen allele CA496393069.

ClinVar aggregate classification (germline): Benign/Likely benign. Review status: criteria provided, multiple submitters, no conflicts (2 of 4 stars). 4 submissions from 4 submitters: Benign (1); Likely benign (3). Last evaluated 2025-07-27.

Conditions:
Hereditary diffuse gastric adenocarcinoma (HDGC). Also called: DIFFUSE GASTRIC AND LOBULAR BREAST CANCER SYNDROME. Identifiers: Orphanet 26106, MedGen C1708349, MONDO:0007648, OMIM 137215.
Hereditary cancer-predisposing syndrome. Also called: Tumor predisposition; Neoplastic Syndromes, Hereditary; Hereditary Cancer Syndrome; Hereditary neoplastic syndrome. Identifiers: Orphanet 140162, MedGen C0027672, MeSH D009386, MONDO:0015356.

Allele frequency attached by ClinVar (database versions not stated): gnomAD exomes below 0.00001; gnomAD 0.00001.
gnomAD v4.1: 2 of 1,613,706 alleles (0.00012%); highest among the groups gnomAD compares: Non-Finnish European, 0.00017%; no homozygotes.

Submissions (4):

Labcorp Genetics (formerly Invitae), Labcorp
Classification: Likely benign for Hereditary diffuse gastric adenocarcinoma. Last evaluated: 2025-07-27. Review status: criteria provided, single submitter. Criteria: Invitae Variant Classification Sherloc (09022015). Collection method: clinical testing. Allele origin: germline.

Myriad Genetics, Inc.
Classification: Benign for Hereditary diffuse gastric adenocarcinoma. Last evaluated: 2024-09-20. Review status: criteria provided, single submitter. Criteria: Myriad Autosomal Dominant, Autosomal Recessive and X-Linked Classification Criteria (2023). Collection method: clinical testing. Allele origin: unknown.
Comment: This variant is considered benign. This variant is a silent/synonymous amino acid change and it is not expected to impact splicing.

Ambry Genetics
Classification: Likely benign for Hereditary cancer-predisposing syndrome. Last evaluated: 2019-05-17. Review status: criteria provided, single submitter. Criteria: Ambry Variant Classification Scheme 2023. Collection method: clinical testing. Allele origin: germline.

Color Diagnostics, LLC DBA Color Health
Classification: Likely benign for Hereditary cancer-predisposing syndrome. Last evaluated: 2018-06-05. Review status: criteria provided, single submitter. Criteria: ACMG Guidelines, 2015. Collection method: clinical testing. Allele origin: germline.